The following is an entry in ClinVar:

ClinVar aggregate classification (germline): Conflicting classifications of pathogenicity. Review status: criteria provided, conflicting classifications (1 of 4 stars). 2 submissions from 2 submitters: Uncertain significance (1); Likely benign (1). Last evaluated 2026-04-28.

Conditions:
X-linked immunodeficiency with magnesium defect, Epstein-Barr virus infection and neoplasia. Identifiers: Orphanet 317476, MedGen C3275445, MONDO:0010455, OMIM 300853.
Congenital disorder of glycosylation, type ICC. Identifiers: MedGen C5231393, MONDO:0026729, OMIM 301031.

Submissions (2):

Centre for Medical Genetics,  Mumbai
Classification: Likely benign for Congenital disorder of glycosylation, type ICC. Last evaluated: 2026-04-28. Review status: criteria provided, single submitter. Criteria: ACMG Guidelines, 2015. Collection method: provider interpretation. Allele origin: germline. Inheritance: X-linked recessive inheritance. Affected: no. Observed: 1 variant allele, 1 homozygote.
Comment: The variant satisfies PM2 criteria - extremely low frequency in gnomAD population databases. However, the variant satisfies BS2 criteria - present in homozygous state in an individual that clinically does not have congenital disorder of glycosylation.

Labcorp Genetics (formerly Invitae), Labcorp
Classification: Uncertain significance for X-linked immunodeficiency with magnesium defect, Epstein-Barr virus infection and neoplasia. Last evaluated: 2021-05-04. Review status: criteria provided, single submitter. Criteria: Invitae Variant Classification Sherloc (09022015). Collection method: clinical testing. Allele origin: germline.
Comment: This sequence change replaces leucine with phenylalanine at codon 317 of the MAGT1 protein (p.Leu317Phe). The leucine residue is moderately conserved and there is a small physicochemical difference between leucine and phenylalanine. This variant is not present in population databases (ExAC no frequency). This variant has not been reported in the literature in individuals with MAGT1-related conditions. Algorithms developed to predict the effect of missense changes on protein structure and function (SIFT, PolyPhen-2, Align-GVGD) all suggest that this variant is likely to be tolerated, but these predictions have not been confirmed by published functional studies and their clinical significance is uncertain. In summary, the available evidence is currently insufficient to determine the role of this variant in disease. Therefore, it has been classified as a Variant of Uncertain Significance.

Literature cited by the submitters: PubMed 31036665 (cited by Centre for Medical Genetics,  Mumbai).

NM_001367916.1(MAGT1):c.853C>T (p.Leu285Phe)

Gene: MAGT1 (magnesium transporter 1; minus strand). Cytogenetic location: Xq21.1.
Variant type: single nucleotide variant.
Coding change: c.853C>T on transcript NM_001367916.1 (MANE Select); coding-DNA position 853, C replaced by T.
Protein change: p.Leu285Phe; replaces leucine 285 with phenylalanine.
Molecular consequence: missense variant.
Genome position (GRCh38, 1-based): chrX:77,841,294, G>A on the plus strand (C>T on the coding strand, the complement: MAGT1 is on the minus strand). VCF-style: chrX-77841294-G-A. GRCh37 (hg19) VCF-style: chrX-77096791-G-A.
Other names: c.949C>T, p.Leu317Phe (NM_032121.5); short protein forms L285F, L317F.
Identifiers: ClinVar variation 1498070 (VCV001498070.9), dbSNP rs2149012480, ClinGen allele CA413711606.